The following is an entry in ClinVar:

NM_000836.4(GRIN2D):c.3566T>C (p.Leu1189Pro)

Gene: GRIN2D (glutamate ionotropic receptor NMDA type subunit 2D; plus strand). Cytogenetic location: 19q13.33.
Variant type: single nucleotide variant.
Coding change: c.3566T>C on transcript NM_000836.4 (MANE Select); coding-DNA position 3566, T replaced by C.
Protein change: p.Leu1189Pro; replaces leucine 1189 with proline.
Molecular consequence: missense variant.
Genome position (GRCh38, 1-based): chr19:48,443,492, T>C. VCF-style: chr19-48443492-T-C. GRCh37 (hg19) VCF-style: chr19-48946749-T-C.
Other names: short protein forms L1189P.
Identifiers: ClinVar variation 2870010 (VCV002870010.3), dbSNP rs1971334887, ClinGen allele CA406676885.

ClinVar aggregate classification (germline): Uncertain significance (1 of 4 stars; one submission).

Allele frequency attached by ClinVar (database versions not stated): gnomAD 0.00001; TOPMed 0.00001.
gnomAD v4.1: 3 of 1,359,640 alleles (0.00022%); highest among the groups gnomAD compares: Non-Finnish European, 0.00028%; no homozygotes.

Submission:

Labcorp Genetics (formerly Invitae), Labcorp
Classification: Uncertain significance. Last evaluated: 2023-03-03. Review status: criteria provided, single submitter. Criteria: Invitae Variant Classification Sherloc (09022015). Collection method: clinical testing. Allele origin: germline.
Comment: This sequence change replaces leucine, which is neutral and non-polar, with proline, which is neutral and non-polar, at codon 1189 of the GRIN2D protein (p.Leu1189Pro). This variant is not present in population databases (gnomAD no frequency). This variant has not been reported in the literature in individuals affected with GRIN2D-related conditions. Advanced modeling of protein sequence and biophysical properties (such as structural, functional, and spatial information, amino acid conservation, physicochemical variation, residue mobility, and thermodynamic stability) performed at Invitae indicates that this missense variant is not expected to disrupt GRIN2D protein function. In summary, the available evidence is currently insufficient to determine the role of this variant in disease. Therefore, it has been classified as a Variant of Uncertain Significance.